The following is an entry in ClinVar:

ClinVar aggregate classification (germline): Uncertain significance (1 of 4 stars; one submission).

Allele frequency attached by ClinVar (database versions not stated): TOPMed below 0.00001; gnomAD 0.00001.
gnomAD v4.1: 1 of 1,611,234 alleles (0.000062%); highest among the groups gnomAD compares: Non-Finnish European, 0.000085%; no homozygotes.

Submission:

CeGaT Center for Human Genetics Tuebingen
Classification: Uncertain significance. Last evaluated: 2023-03-01. Review status: criteria provided, single submitter. Criteria: CeGaT Center For Human Genetics Tuebingen Variant Classification Criteria Version 2. Collection method: clinical testing. Allele origin: germline. Affected: yes. Observed: 1 variant allele.
Comment: WWTR1: PM2:Supporting, BP4

NM_015472.6(WWTR1):c.16G>C (p.Ala6Pro)

Gene: WWTR1 (WW domain containing transcription regulator 1; minus strand). Cytogenetic location: 3q25.1.
Variant type: single nucleotide variant.
Coding change: c.16G>C on transcript NM_015472.6 (MANE Select); coding-DNA position 16, G replaced by C.
Protein change: p.Ala6Pro; replaces alanine 6 with proline.
Molecular consequence: missense variant.
Genome position (GRCh38, 1-based): chr3:149,657,291, C>G on the plus strand (G>C on the coding strand, the complement: WWTR1 is on the minus strand). VCF-style: chr3-149657291-C-G. GRCh37 (hg19) VCF-style: chr3-149375078-C-G.
Other names: c.16G>C, p.Ala6Pro (NM_001168278.3, NM_001168280.3, NM_001348362.2); short protein forms A6P.
Identifiers: ClinVar variation 2654224 (VCV002654224.24), dbSNP rs1380311710, ClinGen allele CA354929038.